The following is an entry in ClinVar:

NC_000010.11:g.104052218del

Gene: COL17A1 (collagen type XVII alpha 1 chain; minus strand). Cytogenetic location: 10q25.1.
Variant type: Deletion.
Genome position: GRCh38 VCF-style: chr10-104052214-GC-G. GRCh37 (hg19) VCF-style: chr10-105811972-GC-G.
Identifiers: ClinVar variation 2821655 (VCV002821655.3), dbSNP rs1458935187, ClinGen allele CA595682768.

ClinVar aggregate classification (germline): Pathogenic (1 of 4 stars; one submission).

Submission:

Labcorp Genetics (formerly Invitae), Labcorp
Classification: Pathogenic. Last evaluated: 2023-12-02. Review status: criteria provided, single submitter. Criteria: Invitae Variant Classification Sherloc (09022015). Collection method: clinical testing. Allele origin: germline.
Comment: This sequence change creates a premature translational stop signal (p.Ala648Leufs*35) in the COL17A1 gene. It is expected to result in an absent or disrupted protein product. Loss-of-function variants in COL17A1 are known to be pathogenic (PMID: 16473856, 17344927, 20301304, 21357940, 24319098). This variant is present in population databases (no rsID available, gnomAD 0.01%). This variant has not been reported in the literature in individuals affected with COL17A1-related conditions. For these reasons, this variant has been classified as Pathogenic.

Literature cited by the submitters: PubMed 16473856; PubMed 17344927; PubMed 20301304; PubMed 21357940; PubMed 24319098.